The following is an entry in ClinVar:

ClinVar aggregate classification (germline): Likely benign (1 of 4 stars; one submission).

Conditions:
PCARE-related disorder. Also called: PCARE-related condition.

gnomAD v4.1: 5 of 1,612,318 alleles (0.00031%); highest among the groups gnomAD compares: Non-Finnish European, 0.00042%; no homozygotes.

Submission:

PreventionGenetics, part of Exact Sciences
Classification: Likely benign for PCARE-related condition. Last evaluated: 2025-08-16. Review status: criteria provided, single submitter. Criteria: ACMG Guidelines, 2015. Collection method: clinical testing. Allele origin: germline.
Comment: This variant is classified as likely benign based on ACMG/AMP sequence variant interpretation guidelines (Richards et al. 2015 PMID: 25741868, with internal and published modifications).

NM_001029883.3(PCARE):c.2665C>T (p.Leu889=)

Gene: PCARE (photoreceptor cilium actin regulator; minus strand). Cytogenetic location: 2p23.2.
Variant type: single nucleotide variant.
Coding change: c.2665C>T on transcript NM_001029883.3 (MANE Select); coding-DNA position 2665, C replaced by T.
Protein change: p.Leu889=; no amino-acid change (leucine 889 retained).
Molecular consequence: synonymous variant.
Genome position (GRCh38, 1-based): chr2:29,071,597, G>A on the plus strand (C>T on the coding strand, the complement: PCARE is on the minus strand). VCF-style: chr2-29071597-G-A. GRCh37 (hg19) VCF-style: chr2-29294463-G-A.
Identifiers: ClinVar variation 4988504 (VCV004988504.1).